The following is an entry in ClinVar:

ClinVar aggregate classification (germline): Conflicting classifications of pathogenicity. Review status: criteria provided, conflicting classifications (1 of 4 stars). 4 submissions from 4 submitters: Uncertain significance (1); Likely benign (2). 1 of the submissions does not count toward it. Last evaluated 2025-03-12.

Conditions:
Hereditary breast ovarian cancer syndrome. Also called: Hereditary breast and ovarian cancer syndrome; Hereditary breast and ovarian cancer; Hereditary breast and ovarian cancer syndrome (HBOC); Breast and ovarian cancer; Hereditary breast and/or ovarian cancer syndrome; BRCA1- and BRCA2-Associated Hereditary Breast and Ovarian Cancer. Identifiers: Orphanet 145, MedGen C0677776, MeSH D061325, MONDO:0003582. Disease mechanism: loss of function.
Breast-ovarian cancer, familial, susceptibility to, 2 (BROVCA2). Also called: BRCA2 Hereditary Breast and Ovarian Cancer. Identifiers: Orphanet 145, MedGen C2675520, MONDO:0012933, OMIM 612555. Disease mechanism: loss of function.
Hereditary cancer-predisposing syndrome. Also called: Neoplastic Syndromes, Hereditary; Tumor predisposition; Hereditary neoplastic syndrome; Hereditary Cancer Syndrome. Identifiers: Orphanet 140162, MedGen C0027672, MeSH D009386, MONDO:0015356.

Submissions (4):

Labcorp Genetics (formerly Invitae), Labcorp
Classification: Uncertain significance for Hereditary breast ovarian cancer syndrome. Last evaluated: 2025-03-12. Review status: criteria provided, single submitter. Criteria: Invitae Variant Classification Sherloc (09022015). Collection method: clinical testing. Allele origin: germline.
Comment: This sequence change replaces isoleucine, which is neutral and non-polar, with asparagine, which is neutral and polar, at codon 1633 of the BRCA2 protein (p.Ile1633Asn). This variant is not present in population databases (gnomAD no frequency). This variant has not been reported in the literature in individuals affected with BRCA2-related conditions. ClinVar contains an entry for this variant (Variation ID: 51737). Invitae Evidence Modeling of protein sequence and biophysical properties (such as structural, functional, and spatial information, amino acid conservation, physicochemical variation, residue mobility, and thermodynamic stability) indicates that this missense variant is not expected to disrupt BRCA2 protein function with a negative predictive value of 95%. In summary, the available evidence is currently insufficient to determine the role of this variant in disease. Therefore, it has been classified as a Variant of Uncertain Significance.

Ambry Genetics
Classification: Likely benign for Hereditary cancer-predisposing syndrome. Last evaluated: 2024-02-12. Review status: criteria provided, single submitter. Criteria: Ambry Variant Classification Scheme 2023. Collection method: clinical testing. Allele origin: germline.

University of Washington Department of Laboratory Medicine, University of Washington
Classification: Likely benign for Hereditary cancer-predisposing syndrome. Last evaluated: 2023-03-23. Review status: criteria provided, single submitter. Criteria: Dines et al. (Genet Med. 2020). Collection method: curation. Allele origin: germline.
Comment: Missense variant in a coldspot region where missense variants are very unlikely to be pathogenic (PMID:31911673).

BRCA2 exon 11 coldspot. Reclassification based on statistical prior probability.

Breast Cancer Information Core (BIC) (BRCA2)
Classification: Uncertain significance for Breast-ovarian cancer, familial 2. Last evaluated: 2002-05-29. Review status: no assertion criteria provided. Collection method: clinical testing. Allele origin: germline. Affected: yes. Observed: 1 variant allele. Not counted in ClinVar's aggregate classification.

NM_000059.4(BRCA2):c.4898T>A (p.Ile1633Asn)

Gene: BRCA2 (BRCA2 DNA repair associated; plus strand). Cytogenetic location: 13q13.1.
Variant type: single nucleotide variant.
Coding change: c.4898T>A on transcript NM_000059.4 (MANE Select); coding-DNA position 4898, T replaced by A.
Protein change: p.Ile1633Asn; replaces isoleucine 1633 with asparagine.
Molecular consequence: missense variant.
Genome position (GRCh38, 1-based): chr13:32,339,253, T>A. VCF-style: chr13-32339253-T-A. GRCh37 (hg19) VCF-style: chr13-32913390-T-A.
Other names: short protein forms I1633N.
Identifiers: ClinVar variation 51737 (VCV000051737.16), dbSNP rs80358714, ClinGen allele CA020974.